The following is an entry in ClinVar:

ClinVar aggregate classification (germline): Uncertain significance. Review status: criteria provided, multiple submitters, no conflicts (2 of 4 stars). 2 submissions from 2 submitters: Uncertain significance (2). Last evaluated 2022-03-09.

Conditions:
Inborn genetic diseases. Identifiers: MedGen C0950123, MeSH D030342.
Charcot-Marie-Tooth disease type 4. Also called: Charcot-Marie-Tooth disease, type IV; Charcot-Marie-Tooth, Type 4. Identifiers: Orphanet 64749, MedGen C4082197, MONDO:0018995.

Allele frequency attached by ClinVar (database versions not stated): gnomAD 0.00001; TOPMed 0.00003; gnomAD exomes below 0.00001.
gnomAD v4.1: 5 of 1,574,620 alleles (0.00032%); highest among the groups gnomAD compares: East Asian, 0.0023%; no homozygotes.

Submissions (2):

Labcorp Genetics (formerly Invitae), Labcorp
Classification: Uncertain significance for Charcot-Marie-Tooth disease type 4. Last evaluated: 2022-03-09. Review status: criteria provided, single submitter. Criteria: Invitae Variant Classification Sherloc (09022015). Collection method: clinical testing. Allele origin: germline.
Comment: This sequence change replaces arginine, which is basic and polar, with histidine, which is basic and polar, at codon 187 of the PRX protein (p.Arg187His). The frequency data for this variant in the population databases is considered unreliable, as metrics indicate poor data quality at this position in the gnomAD database. In summary, the available evidence is currently insufficient to determine the role of this variant in disease. Therefore, it has been classified as a Variant of Uncertain Significance. Algorithms developed to predict the effect of missense changes on protein structure and function are either unavailable or do not agree on the potential impact of this missense change (SIFT: "Deleterious"; PolyPhen-2: "Possibly Damaging"; Align-GVGD: "Class C0"). This variant has not been reported in the literature in individuals affected with PRX-related conditions.

Ambry Genetics
Classification: Uncertain significance for Inborn genetic diseases. Last evaluated: 2020-11-06. Review status: criteria provided, single submitter. Criteria: Ambry Variant Classification Scheme 2023. Collection method: clinical testing. Allele origin: germline.
Comment: The p.R187H variant (also known as c.560G>A), located in coding exon 4 of the PRX gene, results from a G to A substitution at nucleotide position 560. The arginine at codon 187 is replaced by histidine, an amino acid with highly similar properties. This amino acid position is highly conserved in available vertebrate species. In addition, this alteration is predicted to be tolerated by in silico analysis. Since supporting evidence is limited at this time, the clinical significance of this alteration remains unclear.

NM_181882.3(PRX):c.560G>A (p.Arg187His)

Gene: PRX (periaxin; minus strand). Cytogenetic location: 19q13.2.
Variant type: single nucleotide variant.
Coding change: c.560G>A on transcript NM_181882.3 (MANE Select); coding-DNA position 560, G replaced by A.
Protein change: p.Arg187His; replaces arginine 187 with histidine.
Molecular consequence: missense variant. On other transcripts: 3 prime UTR variant (1).
Genome position (GRCh38, 1-based): chr19:40,397,792, C>T on the plus strand (G>A on the coding strand, the complement: PRX is on the minus strand). VCF-style: chr19-40397792-C-T. GRCh37 (hg19) VCF-style: chr19-40903699-C-T.
Other names: c.845G>A, p.Arg282His (NM_001411127.1); c.*765G>A (NM_020956.2); short protein forms R187H, R282H.
Identifiers: ClinVar variation 1748622 (VCV001748622.7), dbSNP rs1487881755, ClinGen allele CA405900180.